The following is an entry in ClinVar:

NM_001267550.2(TTN):c.97472_97473del (p.Ile32491fs)

Genes: TTN (titin; minus strand), TTN-AS1 (TTN antisense RNA 1; plus strand). Cytogenetic location: 2q31.2.
Variant type: Deletion.
Coding change: c.97472_97473del on transcript NM_001267550.2 (MANE Select); coding-DNA positions 97472 to 97473, 2 bases deleted (TA; older notation c.97472_97473delTA).
Protein change: p.Ile32491fs; shifts the reading frame from isoleucine 32491.
Molecular consequence: frameshift variant. On other transcripts: non-coding transcript variant (1).
Genome position (GRCh38, 1-based): chr2:178,542,283-178,542,284, TA deleted on the plus strand (TA on the coding strand, the reverse complement: TTN is on the minus strand); deleting any 2 consecutive bases within chr2:178,542,283-178,542,285 gives the same sequence; the c. name uses the placement nearest the transcript's 3' end. VCF-style (leftmost placement, unchanged base first): chr2-178542282-CTA-C. GRCh37 (hg19) VCF-style: chr2-179407009-CTA-C.
Other names: c.92549_92550del, p.Ile30850fs (NM_001256850.1); c.70277_70278del, p.Ile23426fs (NM_003319.4); c.89768_89769del, p.Ile29923fs (NM_133378.4); c.70652_70653del, p.Ile23551fs (NM_133432.3); c.70853_70854del, p.Ile23618fs (NM_133437.4); short protein forms I23426fs, I23551fs, I23618fs, I29923fs, I30850fs, I32491fs.
Identifiers: ClinVar variation 2502350 (VCV002502350.3), dbSNP rs2468884952, ClinGen allele CA2580614424.

ClinVar aggregate classification (germline): Likely pathogenic. Review status: criteria provided, multiple submitters, no conflicts (2 of 4 stars). 2 submissions from 2 submitters: Likely pathogenic (2). Last evaluated 2024-09-23.

Conditions:
Autosomal recessive limb-girdle muscular dystrophy type 2J (LGMDR10). Also called: MUSCULAR DYSTROPHY, LIMB-GIRDLE, AUTOSOMAL RECESSIVE 10; Limb-girdle muscular dystrophy, type 2J. Identifiers: Orphanet 140922, MedGen C1837342, MONDO:0012127, OMIM 608807.
Dilated cardiomyopathy 1G (CMD1G). Identifiers: Orphanet 154, MedGen C1858763, MONDO:0011400, OMIM 604145.

Submissions (2):

Labcorp Genetics (formerly Invitae), Labcorp
Classification: Likely pathogenic for Dilated cardiomyopathy 1G; Autosomal recessive limb-girdle muscular dystrophy type 2J. Last evaluated: 2024-09-23. Review status: criteria provided, single submitter. Criteria: Invitae Variant Classification Sherloc (09022015). Collection method: clinical testing. Allele origin: germline.
Comment: This sequence change creates a premature translational stop signal (p.Ile32491Argfs*19) in the TTN gene. While this is not anticipated to result in nonsense mediated decay, it is expected to create a truncated TTN protein. This variant is not present in population databases (gnomAD no frequency). This variant has not been reported in the literature in individuals affected with TTN-related conditions. ClinVar contains an entry for this variant (Variation ID: 2502350). This variant is located in the A band of TTN (PMID: 25589632). Truncating variants in this region are significantly overrepresented in patients affected with dilated cardiomyopathy (PMID: 25589632). Truncating variants in this region have also been reported in individuals affected with autosomal recessive centronuclear myopathy (PMID: 23975875). In summary, the currently available evidence indicates that the variant is pathogenic, but additional data are needed to prove that conclusively. Therefore, this variant has been classified as Likely Pathogenic.

Institute of Human Genetics, University of Leipzig Medical Center
Classification: Likely pathogenic for Dilated cardiomyopathy 1G. Last evaluated: 2023-04-25. Review status: criteria provided, single submitter. Criteria: ACMG Guidelines, 2015. Collection method: clinical testing. Allele origin: paternal.
Comment: _x000D_ Criteria applied: PVS1, PM2_SUP

Literature cited by the submitters: PubMed 25589632 (cited by Labcorp Genetics (formerly Invitae), Labcorp); PubMed 23975875 (cited by Labcorp Genetics (formerly Invitae), Labcorp).